The following is an entry in ClinVar:

NM_024753.5(TTC21B):c.2500C>T (p.Gln834Ter)

Gene: TTC21B (tetratricopeptide repeat domain 21B; minus strand). Cytogenetic location: 2q24.3.
Variant type: single nucleotide variant.
Coding change: c.2500C>T on transcript NM_024753.5 (MANE Select); coding-DNA position 2500, C replaced by T.
Protein change: p.Gln834Ter; replaces glutamine 834 with a stop codon.
Molecular consequence: nonsense.
Genome position (GRCh38, 1-based): chr2:165,907,746, G>A on the plus strand (C>T on the coding strand, the complement: TTC21B is on the minus strand). VCF-style: chr2-165907746-G-A. GRCh37 (hg19) VCF-style: chr2-166764256-G-A.
Other names: short protein forms Q834*.
Identifiers: ClinVar variation 446649 (VCV000446649.14), dbSNP rs79746977, ClinGen allele CA1941813.
Genomic context (GRCh38, chr2:165,907,746, plus strand): 5'-ATGCAGTGATCGCATCACCAAGTTTTTCCATTTTACTATAAACTTTTGCTAGAAGAACTT[G>A]ACAACGTCCATCCTCCATGAGAGCTGACAGTTCATTTACTATGAAAGAATGGAATGTAAT-3'

ClinVar aggregate classification (germline): Pathogenic. Review status: criteria provided, multiple submitters, no conflicts (2 of 4 stars). 7 submissions from 7 submitters: Pathogenic (4). 3 of the submissions do not count toward it. Last evaluated 2026-04-28.

Conditions:
TTC21B-related disorder. Also called: TTC21B-related condition; TTC21B-related disorders.
Nephronophthisis. Also called: Juvenile Nephronophthisis. Identifiers: Orphanet 655, MedGen C0687120, MONDO:0019005, HP:0000090.
Jeune thoracic dystrophy. Also called: Short-rib thoracic dysplasia; Jeune syndrome; Infantile thoracic dystrophy; Thoracic pelvic phalangeal dystrophy; Jeune's syndrome; Chondroectodermal dysplasia-like syndrome. Identifiers: Orphanet 474, MedGen C0265275, MONDO:0018770.
Nephronophthisis 12 (NPHP12). Identifiers: Orphanet 655, MedGen C3151186, MONDO:0013442, OMIM 613820.
Asphyxiating thoracic dystrophy 4 (SRTD4). Also called: SHORT-RIB THORACIC DYSPLASIA 4 WITH OR WITHOUT POLYDACTYLY; SHORT-RIB THORACIC DYSPLASIA 4. Identifiers: Orphanet 474, MedGen C3151185, MONDO:0013441, OMIM 613819.
Short-rib thoracic dysplasia 6 with or without polydactyly (SRTD6). Also called: SHORT-RIB THORACIC DYSPLASIA 6 WITH POLYDACTYLY; SHORT-RIB THORACIC DYSPLASIA 6 WITHOUT POLYDACTYLY; POLYDACTYLY WITH NEONATAL CHONDRODYSTROPHY, TYPE II; Majewski Syndrome; SHORT RIB-POLYDACTYLY SYNDROME, TYPE IIA. Identifiers: MedGen C0024507, MONDO:0009894, OMIM 263520.

Allele frequency attached by ClinVar (database versions not stated): ExAC 0.00003; gnomAD exomes 0.00006; TOPMed 0.00007; gnomAD 0.00009; 1000 Genomes Project 30x 0.00016; 1000 Genomes Project 0.00020.

Submissions (7):

PreventionGenetics, part of Exact Sciences
Classification: Pathogenic for TTC21B-related condition. Last evaluated: 2026-04-28. Review status: criteria provided, single submitter. Criteria: ACMG Guidelines, 2015. Collection method: clinical testing. Allele origin: germline.
Comment: The TTC21B c.2500C>T variant is predicted to result in premature protein termination (p.Gln834*). This variant has been reported in the compound heterozygous state in multiple individuals with TTC21B-related conditions in the literature, with segregation studies supporting its pathogenicity (see for example: Patient R08-045A in Table S2, Zhang et al. 2018. PubMed ID: 29068549; Olinger et al. 2022. PubMed ID: 35289079). This variant is reported in 0.013% of alleles in individuals of European (non-Finnish) descent in gnomAD and has been classified as pathogenic/likely pathogenic in ClinVar. Nonsense variants in TTC21B are expected to be pathogenic. This variant is interpreted as pathogenic.

Labcorp Genetics (formerly Invitae), Labcorp
Classification: Pathogenic for Jeune thoracic dystrophy; Nephronophthisis. Last evaluated: 2025-09-05. Review status: criteria provided, single submitter. Criteria: Invitae Variant Classification Sherloc (09022015). Collection method: clinical testing. Allele origin: germline.
Comment: This sequence change creates a premature translational stop signal (p.Gln834*) in the TTC21B gene. It is expected to result in an absent or disrupted protein product. Loss-of-function variants in TTC21B are known to be pathogenic (PMID: 18327258, 21068128, 21258341, 23559409, 24876116, 25492405, 27491411, 29068549). This variant is present in population databases (rs79746977, gnomAD 0.01%). This premature translational stop signal has been observed in individual(s) with short-rib polydactyly syndromes (PMID: 29068549). ClinVar contains an entry for this variant (Variation ID: 446649). Algorithms developed to predict the effect of sequence changes on RNA splicing suggest that this variant may disrupt the consensus splice site. For these reasons, this variant has been classified as Pathogenic.

Fulgent Genetics
Classification: Pathogenic for Asphyxiating thoracic dystrophy 4; Nephronophthisis 12. Last evaluated: 2024-04-13. Review status: criteria provided, single submitter. Criteria: ACMG Guidelines, 2015. Collection method: clinical testing. Allele origin: germline.

Blueprint Genetics
Classification: Pathogenic for TTC21B-related disorders. Last evaluated: 2023-11-09. Review status: criteria provided, single submitter. Criteria: ACMG Guidelines, 2015. Collection method: clinical testing. Allele origin: germline. Affected: yes. Observed: 5 variant alleles.

Genetic Services Laboratory, University of Chicago
Classification: Likely pathogenic. Last evaluated: 2022-08-16. Review status: no assertion criteria provided. Collection method: clinical testing. Allele origin: germline. Affected: yes. Not counted in ClinVar's aggregate classification.
Comment: DNA sequence analysis of the TTC21B gene demonstrated a sequence change, c.2500C>T, which results in the creation of a premature stop codon at amino acid position 834, p.Gln834*. This pathogenic sequence change is predicted to result in an abnormal transcript, which may be degraded, or may lead to the production of a truncated TTC21B protein with potentially abnormal function. This sequence change has been described in the gnomAD database with a frequency of 0.006% in the overall population (rs115348383). This sequence change has previously been described in the compound heterozygous state in an individual with short-rib polydactyly syndrome type II (PMID: 29068549).This collective evidence indicates that this sequence change is likely pathogenic; however, functional studies have not been performed to determine this conclusively. This sequence change in the heterozygous state is not sufficient to cause autosomal recessive TTC21B-related disorders. However, the contribution of a single pathogenic sequence change in TTC21B remains unclear at this time.

Dan Cohn Lab, University Of California Los Angeles
Classification: Pathogenic for Short-rib thoracic dysplasia 6 with or without polydactyly. Last evaluated: 2017-06-01. Review status: no assertion criteria provided. Collection method: research. Allele origin: maternal. Affected: yes. Not counted in ClinVar's aggregate classification.

University of Washington Center for Mendelian Genomics, University of Washington
Classification: Likely pathogenic for short-rib polydactyly syndrome type II. Review status: no assertion criteria provided. Collection method: research. Allele origin: inherited. Affected: yes. Not counted in ClinVar's aggregate classification.

Literature cited by the submitters: PubMed 18327258 (cited by Labcorp Genetics (formerly Invitae), Labcorp); PubMed 21068128 (cited by Labcorp Genetics (formerly Invitae), Labcorp); PubMed 21258341 (cited by Labcorp Genetics (formerly Invitae), Labcorp); PubMed 23559409 (cited by Labcorp Genetics (formerly Invitae), Labcorp); PubMed 24876116 (cited by Labcorp Genetics (formerly Invitae), Labcorp); PubMed 25492405 (cited by Labcorp Genetics (formerly Invitae), Labcorp); PubMed 27491411 (cited by Labcorp Genetics (formerly Invitae), Labcorp); PubMed 29068549 (cited by 3 submitters).